The following is an entry in ClinVar:

NM_004204.5(PIGQ):c.290G>T (p.Cys97Phe)

Gene: PIGQ (phosphatidylinositol glycan anchor biosynthesis class Q; plus strand). Cytogenetic location: 16p13.3.
Variant type: single nucleotide variant.
Coding change: c.290G>T on transcript NM_004204.5 (MANE Select); coding-DNA position 290, G replaced by T.
Protein change: p.Cys97Phe; replaces cysteine 97 with phenylalanine.
Molecular consequence: missense variant.
Genome position (GRCh38, 1-based): chr16:574,364, G>T. VCF-style: chr16-574364-G-T. GRCh37 (hg19) VCF-style: chr16-624364-G-T.
Other names: c.290G>T, p.Cys97Phe (NM_148920.4); short protein forms C97F.
Identifiers: ClinVar variation 456042 (VCV000456042.7), dbSNP rs78957457, ClinGen allele CA7779827.

ClinVar aggregate classification (germline): Uncertain significance. Review status: criteria provided, multiple submitters, no conflicts (2 of 4 stars). 2 submissions from 2 submitters: Uncertain significance (2). Last evaluated 2024-10-26.

Conditions:
Epilepsy. Also called: Seizure disorder. Identifiers: MedGen C0014544, MeSH D004827, MONDO:0005027.
PIGQ-related disorder. Also called: PIGQ-related condition.

Allele frequency attached by ClinVar (database versions not stated): ExAC 0.00010; gnomAD exomes 0.00010 and 0.00069; ESP Exome Variant Server 0.00015; gnomAD 0.00019 and 0.00021; TOPMed 0.00019; 1000 Genomes Project 0.00040; 1000 Genomes Project 30x 0.00094.
gnomAD v4.1: 1,016 of 1,610,248 alleles (0.063%); highest among the groups gnomAD compares: Non-Finnish European, 0.085%; 3 homozygotes.

Submissions (2):

PreventionGenetics, part of Exact Sciences
Classification: Uncertain significance for PIGQ-related condition. Last evaluated: 2024-10-26. Review status: criteria provided, single submitter. Criteria: ACMG Guidelines, 2015. Collection method: clinical testing. Allele origin: germline.
Comment: The PIGQ c.290G>T variant is predicted to result in the amino acid substitution p.Cys97Phe. To our knowledge, this variant has not been reported in the literature. This variant is reported in 0.021% of alleles in individuals of European (Non-Finnish) descent in gnomAD. At this time, the clinical significance of this variant is uncertain due to the absence of conclusive functional and genetic evidence.

Labcorp Genetics (formerly Invitae), Labcorp
Classification: Uncertain significance for Epilepsy. Last evaluated: 2022-08-31. Review status: criteria provided, single submitter. Criteria: Invitae Variant Classification Sherloc (09022015). Collection method: clinical testing. Allele origin: germline.
Comment: This sequence change replaces cysteine, which is neutral and slightly polar, with phenylalanine, which is neutral and non-polar, at codon 97 of the PIGQ protein (p.Cys97Phe). This variant is present in population databases (rs78957457, gnomAD 0.02%). This variant has not been reported in the literature in individuals affected with PIGQ-related conditions. ClinVar contains an entry for this variant (Variation ID: 456042). Algorithms developed to predict the effect of missense changes on protein structure and function are either unavailable or do not agree on the potential impact of this missense change (SIFT: "Tolerated"; PolyPhen-2: "Possibly Damaging"; Align-GVGD: "Class C0"). In summary, the available evidence is currently insufficient to determine the role of this variant in disease. Therefore, it has been classified as a Variant of Uncertain Significance.